The following is an entry in ClinVar:

NM_003743.5(NCOA1):c.97A>G (p.Lys33Glu)

Gene: NCOA1 (nuclear receptor coactivator 1; plus strand). Cytogenetic location: 2p23.3.
Variant type: single nucleotide variant.
Coding change: c.97A>G on transcript NM_003743.5 (MANE Select); coding-DNA position 97, A replaced by G.
Protein change: p.Lys33Glu; replaces lysine 33 with glutamic acid.
Molecular consequence: missense variant.
Genome position (GRCh38, 1-based): chr2:24,665,756, A>G. VCF-style: chr2-24665756-A-G. GRCh37 (hg19) VCF-style: chr2-24888625-A-G.
Other names: c.97A>G, p.Lys33Glu (NM_001362950.1, NM_001362952.1, NM_001362954.1 and 3 more transcripts); short protein forms K33E.
Identifiers: ClinVar variation 3347566 (VCV003347566.1).

ClinVar aggregate classification (germline): Uncertain significance (0 of 4 stars; one submission).

Conditions:
NCOA1-related disorder. Also called: NCOA1-related condition.

Submission:

PreventionGenetics, part of Exact Sciences
Classification: Uncertain significance for NCOA1-related condition. Last evaluated: 2024-05-31. Review status: no assertion criteria provided. Collection method: clinical testing. Allele origin: germline.
Comment: The NCOA1 c.97A>G variant is predicted to result in the amino acid substitution p.Lys33Glu. To our knowledge, this variant has not been reported in the literature or in a large population database, indicating this variant is rare. At this time, the clinical significance of this variant is uncertain due to the absence of conclusive functional and genetic evidence.